The following is an entry in ClinVar:

ClinVar aggregate classification (germline): Pathogenic (1 of 4 stars; one submission).

Allele frequency attached by ClinVar (database versions not stated): gnomAD exomes below 0.00001; ExAC 0.00001.

Submission:

Labcorp Genetics (formerly Invitae), Labcorp
Classification: Pathogenic. Last evaluated: 2022-02-08. Review status: criteria provided, single submitter. Criteria: Invitae Variant Classification Sherloc (09022015). Collection method: clinical testing. Allele origin: germline.
Comment: For these reasons, this variant has been classified as Pathogenic. This variant has not been reported in the literature in individuals affected with COL18A1-related conditions. This variant is present in population databases (rs763501978, gnomAD 0.006%). This sequence change creates a premature translational stop signal (p.Gly707Argfs*23) in the COL18A1 gene. It is expected to result in an absent or disrupted protein product. Loss-of-function variants in COL18A1 are known to be pathogenic (PMID: 12415512, 25456301).

Literature cited by the submitters: PubMed 12415512; PubMed 25456301.

NM_001379500.1(COL18A1):c.2117_2118insG (p.Gly707fs)

Gene: COL18A1 (collagen type XVIII alpha 1 chain; plus strand). Cytogenetic location: 21q22.3.
Variant type: Insertion.
Coding change: c.2117_2118insG on transcript NM_001379500.1 (MANE Select); coding-DNA positions 2117 to 2118, G inserted.
Protein change: p.Gly707fs; shifts the reading frame from glycine 707.
Molecular consequence: frameshift variant.
Genome position: GRCh38 VCF-style: chr21-45491274-C-CG. GRCh37 (hg19) VCF-style: chr21-46911188-C-CG.
Other names: c.2657_2658insG, p.Gly887fs (NM_030582.4); c.3362_3363insG, p.Gly1122fs (NM_130444.3); short protein forms G1122fs, G707fs, G887fs.
Identifiers: ClinVar variation 2094734 (VCV002094734.4), dbSNP rs763501978, ClinGen allele CA10066814.